The following is an entry in ClinVar:

NM_016938.5(EFEMP2):c.512G>A (p.Arg171His)

Gene: EFEMP2 (EGF-like fibulin extracellular matrix protein 2; minus strand). Cytogenetic location: 11q13.1.
Variant type: single nucleotide variant.
Coding change: c.512G>A on transcript NM_016938.5 (MANE Select); coding-DNA position 512, G replaced by A.
Protein change: p.Arg171His; replaces arginine 171 with histidine.
Molecular consequence: missense variant. On other transcripts: non-coding transcript variant (1).
Genome position (GRCh38, 1-based): chr11:65,870,216, C>T on the plus strand (G>A on the coding strand, the complement: EFEMP2 is on the minus strand). VCF-style: chr11-65870216-C-T. GRCh37 (hg19) VCF-style: chr11-65637687-C-T.
Other names: c.512G>A (NM_016938.4); short protein forms R171H.
Identifiers: ClinVar variation 3635035 (VCV003635035.2).

ClinVar aggregate classification (germline): Uncertain significance. Review status: criteria provided, multiple submitters, no conflicts (2 of 4 stars). 2 submissions from 2 submitters: Uncertain significance (2). Last evaluated 2025-03-23.

Conditions:
Cardiovascular phenotype. Identifiers: MedGen CN230736.
Cutis laxa, autosomal recessive, type 1B (ARCL1B). Also called: CUTIS LAXA, AUTOSOMAL RECESSIVE, TYPE IB; EFEMP2-Related Cutis Laxa. Identifiers: Orphanet 90349, MedGen C3280798, MONDO:0013754, OMIM 614437. Disease mechanism: loss of function.

gnomAD v4.1: 29 of 1,613,312 alleles (0.0018%); highest among the groups gnomAD compares: South Asian, 0.014%; no homozygotes.

Submissions (2):

Ambry Genetics
Classification: Uncertain significance for Cardiovascular phenotype. Last evaluated: 2025-03-23. Review status: criteria provided, single submitter. Criteria: Ambry Variant Classification Scheme 2023. Collection method: clinical testing. Allele origin: germline.
Comment: The p.R171H variant (also known as c.512G>A), located in coding exon 5 of the EFEMP2 gene, results from a G to A substitution at nucleotide position 512. The arginine at codon 171 is replaced by histidine, an amino acid with highly similar properties. This amino acid position is conserved. In addition, the in silico prediction for this alteration is inconclusive. Based on the available evidence, the clinical significance of this variant remains unclear.

Labcorp Genetics (formerly Invitae), Labcorp
Classification: Uncertain significance for Cutis laxa, autosomal recessive, type 1B. Last evaluated: 2024-07-09. Review status: criteria provided, single submitter. Criteria: Invitae Variant Classification Sherloc (09022015). Collection method: clinical testing. Allele origin: germline.
Comment: This sequence change replaces arginine, which is basic and polar, with histidine, which is basic and polar, at codon 171 of the EFEMP2 protein (p.Arg171His). This variant is present in population databases (rs760696788, gnomAD 0.01%). This variant has not been reported in the literature in individuals affected with EFEMP2-related conditions. Advanced modeling of protein sequence and biophysical properties (such as structural, functional, and spatial information, amino acid conservation, physicochemical variation, residue mobility, and thermodynamic stability) performed at Invitae indicates that this missense variant is not expected to disrupt EFEMP2 protein function with a negative predictive value of 80%. In summary, the available evidence is currently insufficient to determine the role of this variant in disease. Therefore, it has been classified as a Variant of Uncertain Significance.